The following is an entry in ClinVar:

ClinVar aggregate classification (germline): Uncertain significance (1 of 4 stars; one submission).

Submission:

Labcorp Genetics (formerly Invitae), Labcorp
Classification: Uncertain significance. Last evaluated: 2025-12-24. Review status: criteria provided, single submitter. Criteria: Invitae Variant Classification Sherloc (09022015). Collection method: clinical testing. Allele origin: germline.
Comment: This sequence change replaces isoleucine, which is neutral and non-polar, with methionine, which is neutral and non-polar, at codon 171 of the SRP54 protein (p.Ile171Met). This variant is not present in population databases (gnomAD no frequency). This variant has not been reported in the literature in individuals affected with SRP54-related conditions. Invitae Evidence Modeling of protein sequence and biophysical properties (such as structural, functional, and spatial information, amino acid conservation, physicochemical variation, residue mobility, and thermodynamic stability) indicates that this missense variant is expected to disrupt SRP54 protein function with a positive predictive value of 80%. In summary, the available evidence is currently insufficient to determine the role of this variant in disease. Therefore, it has been classified as a Variant of Uncertain Significance.

NM_003136.4(SRP54):c.513T>G (p.Ile171Met)

Gene: SRP54 (signal recognition particle 54; plus strand). Cytogenetic location: 14q13.2.
Variant type: single nucleotide variant.
Coding change: c.513T>G on transcript NM_003136.4 (MANE Select); coding-DNA position 513, T replaced by G.
Protein change: p.Ile171Met; replaces isoleucine 171 with methionine.
Molecular consequence: missense variant.
Genome position (GRCh38, 1-based): chr14:35,011,536, T>G. VCF-style: chr14-35011536-T-G. GRCh37 (hg19) VCF-style: chr14-35480742-T-G.
Other names: c.366T>G, p.Ile122Met (NM_001146282.2); c.513T>G, p.Ile171Met (NM_001411017.1, NM_001440813.1); short protein forms I122M, I171M.
Identifiers: ClinVar variation 4740702 (VCV004740702.1).